The following is an entry in ClinVar:

ClinVar aggregate classification (germline): Uncertain significance (0 of 4 stars; one submission).

Conditions:
TPM2-related disorder. Also called: TPM2-related condition; TPM2-related disorders.

Submission:

PreventionGenetics, part of Exact Sciences
Classification: Uncertain significance for TPM2-related condition. Last evaluated: 2024-05-02. Review status: no assertion criteria provided. Collection method: clinical testing. Allele origin: germline.
Comment: The TPM2 c.636_637dupGG variant is predicted to result in a frameshift and premature protein termination (p.Glu213Glyfs*21). To our knowledge, this variant has not been reported in the literature or in a large population database, indicating this variant is rare. Although we suspect that this variant may be pathogenic, at this time, the clinical significance of this variant is uncertain due to the absence of conclusive functional and genetic evidence.

NM_003289.4(TPM2):c.563+202_563+203dup

Gene: TPM2 (tropomyosin 2; minus strand). Cytogenetic location: 9p13.3.
Variant type: Duplication.
Coding change: c.563+202_563+203dup on transcript NM_003289.4 (MANE Select); bases 202 to 203 of the intron after coding-DNA position 563, 2 bases duplicated (GG; older notation c.563+202_563+203dupGG).
Molecular consequence: intron variant. On other transcripts: frameshift variant (2).
Genome position (GRCh38, 1-based): chr9:35,685,066-35,685,067, CC duplicated on the plus strand (GG on the coding strand, the reverse complement: TPM2 is on the minus strand). VCF-style (leftmost placement, unchanged base first): chr9-35685065-T-TCC. GRCh37 (hg19) VCF-style: chr9-35685062-T-TCC.
Other names: c.636_637dup, p.Glu213fs (NM_001301227.2, NM_213674.1); c.563+202_563+203dup (NM_001301226.2); short protein forms E213fs.
Identifiers: ClinVar variation 3345955 (VCV003345955.1).